The following is an entry in ClinVar:

ClinVar aggregate classification (germline): Uncertain significance (1 of 4 stars; one submission).

Conditions:
Hereditary sensory neuropathy-deafness-dementia syndrome. Also called: NEUROPATHY, HEREDITARY SENSORY, WITH HEARING LOSS AND DEMENTIA; Hereditary Sensory and Autonomic Neuropathy Type 1E (HSAN1E); Hereditary sensory neuropathy type IE; HSN IE. Identifiers: Orphanet 456318, MedGen C3279885, MONDO:0013584, OMIM 614116.

Allele frequency attached by ClinVar (database versions not stated): ExAC 0.00001.
gnomAD v4.1: 3 of 1,610,794 alleles (0.00019%); highest among the groups gnomAD compares: Non-Finnish European, 0.00025%; no homozygotes.

Submission:

Labcorp Genetics (formerly Invitae), Labcorp
Classification: Uncertain significance for Hereditary sensory neuropathy-deafness-dementia syndrome. Last evaluated: 2021-06-11. Review status: criteria provided, single submitter. Criteria: Invitae Variant Classification Sherloc (09022015). Collection method: clinical testing. Allele origin: germline.
Comment: This sequence change replaces alanine with serine at codon 1334 of the DNMT1 protein (p.Ala1334Ser). The alanine residue is highly conserved and there is a moderate physicochemical difference between alanine and serine. This variant is present in population databases (rs779967013, ExAC 0.002%). This variant has not been reported in the literature in individuals with DNMT1-related conditions. Algorithms developed to predict the effect of missense changes on protein structure and function are either unavailable or do not agree on the potential impact of this missense change (SIFT: "Deleterious"; PolyPhen-2: "Possibly Damaging"; Align-GVGD: "Class C0"). In summary, the available evidence is currently insufficient to determine the role of this variant in disease. Therefore, it has been classified as a Variant of Uncertain Significance.

NM_001130823.3(DNMT1):c.4000G>T (p.Ala1334Ser)

Gene: DNMT1 (DNA methyltransferase 1; minus strand). Cytogenetic location: 19p13.2.
Variant type: single nucleotide variant.
Coding change: c.4000G>T on transcript NM_001130823.3 (MANE Select); coding-DNA position 4000, G replaced by T.
Protein change: p.Ala1334Ser; replaces alanine 1334 with serine.
Molecular consequence: missense variant.
Genome position (GRCh38, 1-based): chr19:10,138,554, C>A on the plus strand (G>T on the coding strand, the complement: DNMT1 is on the minus strand). VCF-style: chr19-10138554-C-A. GRCh37 (hg19) VCF-style: chr19-10249230-C-A.
Other names: c.3952G>T, p.Ala1318Ser (NM_001318730.2, NM_001379.4); c.3637G>T, p.Ala1213Ser (NM_001318731.2); short protein forms A1334S, A1213S, A1318S.
Identifiers: ClinVar variation 1409733 (VCV001409733.8), dbSNP rs779967013, ClinGen allele CA9187615.